The following is an entry in ClinVar:

NM_014727.3(KMT2B):c.6079G>T (p.Glu2027Ter)

Gene: KMT2B (lysine methyltransferase 2B; plus strand). Cytogenetic location: 19q13.12.
Variant type: single nucleotide variant.
Coding change: c.6079G>T on transcript NM_014727.3 (MANE Select); coding-DNA position 6079, G replaced by T.
Protein change: p.Glu2027Ter; replaces glutamic acid 2027 with a stop codon.
Molecular consequence: nonsense.
Genome position (GRCh38, 1-based): chr19:35,732,628, G>T. VCF-style: chr19-35732628-G-T. GRCh37 (hg19) VCF-style: chr19-36223529-G-T.
Other names: short protein forms E2027*.
Identifiers: ClinVar variation 4851828 (VCV004851828.1).

ClinVar aggregate classification (germline): Uncertain significance (1 of 4 stars; one submission).

gnomAD v4.1: 2 of 1,611,678 alleles (0.00012%); highest among the groups gnomAD compares: African/African-American, 0.0013%; no homozygotes.

Submission:

Dasa
Classification: Uncertain significance. Last evaluated: 2026-04-13. Review status: criteria provided, single submitter. Criteria: DASA Assertion Criteria. Collection method: clinical testing. Allele origin: germline.
Comment: NM_014727.3(KMT2B):c.6079G>T (p.Glu2027*) introduces a premature termination codon predicted to result in loss of normal protein function. Loss-of-function is an established mechanism of disease for this gene. The variant is present at low frequency in population datasets. Based on the available data, this variant is classified as variant of uncertain significance.